The following is an entry in ClinVar:

Conditions:
Breast-ovarian cancer, familial, susceptibility to, 1 (BROVCA1). Also called: BRCA1 Hereditary Breast and Ovarian Cancer; OVARIAN CANCER, SUSCEPTIBILITY TO. Identifiers: Orphanet 145, MedGen C2676676, MONDO:0011450, OMIM 604370. Disease mechanism: loss of function.

Submission:

Brotman Baty Institute, University of Washington
No classification provided (evidence only). Condition: Breast-ovarian cancer, familial 1. Review status: no classification provided. Collection method: in vitro. Allele origin: not applicable. Functional consequence: functionally_normal.
ClinVar note: "not provided" was previously submitted as the classification for the variant. However, the classification appeared to be based only on an observation of functional data so it was converted to no classification on 2025-07-30.

NM_007294.4(BRCA1):c.5421T>C (p.Ile1807=)

Gene: BRCA1 (BRCA1 DNA repair associated; minus strand). Cytogenetic location: 17q21.31.
Variant type: single nucleotide variant.
Coding change: c.5421T>C on transcript NM_007294.4 (MANE Select); coding-DNA position 5421, T replaced by C.
Protein change: p.Ile1807=; no amino-acid change (isoleucine 1807 retained).
Molecular consequence: synonymous variant. On other transcripts: missense variant (17).
Genome position (GRCh38, 1-based): chr17:43,047,689, A>G on the plus strand (T>C on the coding strand, the complement: BRCA1 is on the minus strand). VCF-style: chr17-43047689-A-G. GRCh37 (hg19) VCF-style: chr17-41199706-A-G.
Other names: c.5208T>C, p.Ile1736= (NM_001407571.1, NM_001407894.1, NM_001407895.1 and 12 more transcripts); c.5487T>C, p.Ile1829= (NM_001407581.1, NM_001407582.1); c.5484T>C, p.Ile1828= (NM_001407583.1, NM_001407585.1, NM_001407587.1 and 1 more transcripts); c.5481T>C, p.Ile1827= (NM_001407590.1, NM_001407591.1); c.5421T>C, p.Ile1807= (NM_001407593.1, NM_001407594.1, NM_001407596.1 and 5 more transcripts); c.5418T>C, p.Ile1806= (NM_001407610.1, NM_001407611.1, NM_001407612.1 and 14 more transcripts); c.5415T>C, p.Ile1805= (NM_001407627.1, NM_001407628.1, NM_001407629.1 and 13 more transcripts); c.5412T>C, p.Ile1804= (NM_001407644.1, NM_001407645.1); and 83 more; short protein forms C679R, C1735R, C1740R, C1781R, C1783R, C678R, C1741R, C1782R.
Identifiers: ClinVar variation 865480 (VCV000865480.3), dbSNP rs2050990955, ClinGen allele CA10590607.